The following is an entry in ClinVar:

ClinVar aggregate classification (germline): Uncertain significance. Review status: criteria provided, multiple submitters, no conflicts (2 of 4 stars). 2 submissions from 2 submitters: Uncertain significance (2). Last evaluated 2025-12-11.

Conditions:
Inborn genetic diseases. Identifiers: MedGen C0950123, MeSH D030342.

Allele frequency attached by ClinVar (database versions not stated): ESP Exome Variant Server 0.00015; ExAC 0.00007; 1000 Genomes Project 30x 0.00016; gnomAD exomes 0.00008 and 0.00005; TOPMed 0.00008; gnomAD 0.00014 and 0.00013; 1000 Genomes Project 0.00020.
gnomAD v4.1: 134 of 1,613,214 alleles (0.0083%); highest among the groups gnomAD compares: Admixed American, 0.013%; no homozygotes.

Submissions (2):

Ambry Genetics
Classification: Uncertain significance for Inborn genetic diseases. Last evaluated: 2025-12-11. Review status: criteria provided, single submitter. Criteria: Ambry Variant Classification Scheme 2023. Collection method: clinical testing. Allele origin: germline.

Labcorp Genetics (formerly Invitae), Labcorp
Classification: Uncertain significance. Last evaluated: 2022-07-19. Review status: criteria provided, single submitter. Criteria: Invitae Variant Classification Sherloc (09022015). Collection method: clinical testing. Allele origin: germline.
Comment: This sequence change replaces valine, which is neutral and non-polar, with methionine, which is neutral and non-polar, at codon 138 of the HACD1 protein (p.Val138Met). This variant is present in population databases (rs141646017, gnomAD 0.01%). This variant has not been reported in the literature in individuals affected with HACD1-related conditions. ClinVar contains an entry for this variant (Variation ID: 1379404). Algorithms developed to predict the effect of missense changes on protein structure and function are either unavailable or do not agree on the potential impact of this missense change (SIFT: "Deleterious"; PolyPhen-2: "Probably Damaging"; Align-GVGD: "Class C0"). In summary, the available evidence is currently insufficient to determine the role of this variant in disease. Therefore, it has been classified as a Variant of Uncertain Significance.

NM_014241.4(HACD1):c.412G>A (p.Val138Met)

Gene: HACD1 (3-hydroxyacyl-CoA dehydratase 1; minus strand). Cytogenetic location: 10p12.33.
Variant type: single nucleotide variant.
Coding change: c.412G>A on transcript NM_014241.4 (MANE Select); coding-DNA position 412, G replaced by A.
Protein change: p.Val138Met; replaces valine 138 with methionine.
Molecular consequence: missense variant.
Genome position (GRCh38, 1-based): chr10:17,603,631, C>T on the plus strand (G>A on the coding strand, the complement: HACD1 is on the minus strand). VCF-style: chr10-17603631-C-T. GRCh37 (hg19) VCF-style: chr10-17645630-C-T.
Other names: c.412G>A (NM_014241.3); short protein forms V138M.
Identifiers: ClinVar variation 1379404 (VCV001379404.5), dbSNP rs141646017, ClinGen allele CA5427309.